The following is an entry in ClinVar:

NM_001378454.1(ALMS1):c.4757C>T (p.Pro1586Leu)

Gene: ALMS1 (ALMS1 centrosome and basal body associated protein; plus strand). Cytogenetic location: 2p13.1.
Variant type: single nucleotide variant.
Coding change: c.4757C>T on transcript NM_001378454.1 (MANE Select); coding-DNA position 4757, C replaced by T.
Protein change: p.Pro1586Leu; replaces proline 1586 with leucine.
Molecular consequence: missense variant.
Genome position (GRCh38, 1-based): chr2:73,451,284, C>T. VCF-style: chr2-73451284-C-T. GRCh37 (hg19) VCF-style: chr2-73678411-C-T.
Other names: c.4760C>T, p.Pro1587Leu (NM_015120.4); short protein forms P1586L, P1587L.
Identifiers: ClinVar variation 1742901 (VCV001742901.2), dbSNP rs2466102704, ClinGen allele CA347279203.

ClinVar aggregate classification (germline): Uncertain significance (1 of 4 stars; one submission).

Conditions:
Cardiovascular phenotype. Identifiers: MedGen CN230736.

Allele frequency attached by ClinVar (database versions not stated): gnomAD exomes below 0.00001.
gnomAD v4.1: 7 of 1,613,996 alleles (0.00043%); highest among the groups gnomAD compares: Non-Finnish European, 0.00059%; no homozygotes.

Submission:

Ambry Genetics
Classification: Uncertain significance for Cardiovascular phenotype. Last evaluated: 2019-06-25. Review status: criteria provided, single submitter. Criteria: Ambry Variant Classification Scheme 2023. Collection method: clinical testing. Allele origin: germline.
Comment: The p.P1587L variant (also known as c.4760C>T), located in coding exon 8 of the ALMS1 gene, results from a C to T substitution at nucleotide position 4760. The proline at codon 1587 is replaced by leucine, an amino acid with similar properties. This amino acid position is not well conserved in available vertebrate species. In addition, this alteration is predicted to be tolerated by in silico analysis. Since supporting evidence is limited at this time, the clinical significance of this alteration remains unclear.